The following is an entry in ClinVar:

NM_004082.5(DCTN1):c.3223G>A (p.Gly1075Arg)

Gene: DCTN1 (dynactin subunit 1; minus strand). Cytogenetic location: 2p13.1.
Variant type: single nucleotide variant.
Coding change: c.3223G>A on transcript NM_004082.5 (MANE Select); coding-DNA position 3223, G replaced by A.
Protein change: p.Gly1075Arg; replaces glycine 1075 with arginine.
Molecular consequence: missense variant. On other transcripts: non-coding transcript variant (1).
Genome position (GRCh38, 1-based): chr2:74,363,416, C>T on the plus strand (G>A on the coding strand, the complement: DCTN1 is on the minus strand). VCF-style: chr2-74363416-C-T. GRCh37 (hg19) VCF-style: chr2-74590543-C-T.
Other names: c.2806G>A, p.Gly936Arg (NM_001135041.3); c.3097G>A, p.Gly1033Arg (NM_001190836.2); c.3154G>A, p.Gly1052Arg (NM_001378992.1); c.2821G>A, p.Gly941Arg (NM_023019.4); c.3202G>A, p.Gly1068Arg (NM_001190837.2); c.3172G>A, p.Gly1058Arg (NM_001378991.1); c.3148G>A, p.Gly1050Arg (NM_001135040.3); short protein forms G1033R, G1050R, G1052R, G1058R, G1068R, G1075R, G936R, G941R.
Identifiers: ClinVar variation 3751606 (VCV003751606.2).

ClinVar aggregate classification (germline): Uncertain significance (1 of 4 stars; one submission).

Conditions:
Amyotrophic lateral sclerosis type 1 (ALS1). Also called: AMYOTROPHIC LATERAL SCLEROSIS 1, FAMILIAL. Identifiers: Orphanet 803, MedGen C1862939, MONDO:0007103, OMIM 105400.
Neuronopathy, distal hereditary motor, type 7B. Also called: HMN VIIB; LOWER MOTOR NEURON DISEASE, DYNACTIN TYPE; NEURONOPATHY, DISTAL HEREDITARY MOTOR, AUTOSOMAL DOMINANT 14; NEURONOPATHY, DISTAL HEREDITARY MOTOR, HARDING TYPE VIIB; NEUROPATHY, DISTAL HEREDITARY MOTOR, HARDING TYPE VIIB; NEUROPATHY, DISTAL HEREDITARY MOTOR, WITH VOCAL CORD PARALYSIS, HARDING TYPE VIIB. Identifiers: Orphanet 139589, MedGen C1843315, MONDO:0011879, OMIM 607641.
Perry syndrome. Also called: PARKINSONISM WITH ALVEOLAR HYPOVENTILATION AND MENTAL DEPRESSION. Identifiers: Orphanet 178509, MedGen C1868594, MONDO:0008201, OMIM 168605.

gnomAD v4.1: 2 of 1,612,358 alleles (0.00012%); highest among the groups gnomAD compares: African/African-American, 0.0013%; no homozygotes.

Submission:

Labcorp Genetics (formerly Invitae), Labcorp
Classification: Uncertain significance for Amyotrophic lateral sclerosis type 1; Neuronopathy, distal hereditary motor, type 7B; Perry syndrome. Last evaluated: 2024-04-29. Review status: criteria provided, single submitter. Criteria: Invitae Variant Classification Sherloc (09022015). Collection method: clinical testing. Allele origin: germline.
Comment: This sequence change replaces glycine, which is neutral and non-polar, with arginine, which is basic and polar, at codon 1075 of the DCTN1 protein (p.Gly1075Arg). This variant is not present in population databases (gnomAD no frequency). This variant has not been reported in the literature in individuals affected with DCTN1-related conditions. An algorithm developed to predict the effect of missense changes on protein structure and function (PolyPhen-2) suggests that this variant is likely to be tolerated. In summary, the available evidence is currently insufficient to determine the role of this variant in disease. Therefore, it has been classified as a Variant of Uncertain Significance.